The following is an entry in ClinVar:

NM_020632.3(ATP6V0A4):c.1418C>T (p.Ser473Phe)

Gene: ATP6V0A4 (ATPase H+ transporting V0 subunit a4; minus strand). Cytogenetic location: 7q34.
Variant type: single nucleotide variant.
Coding change: c.1418C>T on transcript NM_020632.3 (MANE Select); coding-DNA position 1418, C replaced by T.
Protein change: p.Ser473Phe; replaces serine 473 with phenylalanine.
Molecular consequence: missense variant.
Genome position (GRCh38, 1-based): chr7:138,745,183, G>A on the plus strand (C>T on the coding strand, the complement: ATP6V0A4 is on the minus strand). VCF-style: chr7-138745183-G-A. GRCh37 (hg19) VCF-style: chr7-138429928-G-A.
Other names: c.1418C>T, p.Ser473Phe (NM_130840.3, NM_130841.3); c.1418C>T (NM_020632.2); short protein forms S473F.
Identifiers: ClinVar variation 2445704 (VCV002445704.7), dbSNP rs755992691, ClinGen allele CA4504781.

ClinVar aggregate classification (germline): Conflicting classifications of pathogenicity. Review status: criteria provided, conflicting classifications (1 of 4 stars). 5 submissions from 5 submitters: Pathogenic (1); Likely pathogenic (2); Uncertain significance (2). Last evaluated 2026-01-18.

Conditions:
Renal tubular acidosis, distal, 3, with or without sensorineural hearing loss (DRTA3). Identifiers: MedGen C5399980, MONDO:0011268, OMIM 602722.

Allele frequency attached by ClinVar (database versions not stated): gnomAD 0.00001; gnomAD exomes 0.00001; TOPMed 0.00002; ExAC 0.00009.
gnomAD v4.1: 21 of 1,614,096 alleles (0.0013%); highest among the groups gnomAD compares: East Asian, 0.042%; no homozygotes.

Submissions (5):

Labcorp Genetics (formerly Invitae), Labcorp
Classification: Pathogenic. Last evaluated: 2026-01-18. Review status: criteria provided, single submitter. Criteria: Invitae Variant Classification Sherloc (09022015). Collection method: clinical testing. Allele origin: germline.
Comment: This sequence change replaces serine, which is neutral and polar, with phenylalanine, which is neutral and non-polar, at codon 473 of the ATP6V0A4 protein (p.Ser473Phe). This variant is present in population databases (rs755992691, gnomAD 0.1%). This missense change has been observed in individual(s) with primary distal renal tubular acidosis (PMID: 30230413, 34159584). In at least one individual the data is consistent with being in trans (on the opposite chromosome) from a pathogenic variant. ClinVar contains an entry for this variant (Variation ID: 2445704). Invitae Evidence Modeling of protein sequence and biophysical properties (such as structural, functional, and spatial information, amino acid conservation, physicochemical variation, residue mobility, and thermodynamic stability) indicates that this missense variant is expected to disrupt ATP6V0A4 protein function with a positive predictive value of 80%. For these reasons, this variant has been classified as Pathogenic.

GeneDx
Classification: Likely pathogenic. Last evaluated: 2025-03-26. Review status: criteria provided, single submitter. Criteria: GeneDx Variant Classification Process June 2021. Collection method: clinical testing. Allele origin: germline. Affected: yes.
Comment: In silico analysis supports that this missense variant has a deleterious effect on protein structure/function; This variant is associated with the following publications: (PMID: 30230413, 34159584, 37576911, 31328266)

Fulgent Genetics
Classification: Uncertain significance for Renal tubular acidosis, distal, 3, with or without sensorineural hearing loss. Last evaluated: 2024-03-05. Review status: criteria provided, single submitter. Criteria: ACMG Guidelines, 2015. Collection method: clinical testing. Allele origin: germline.

Women's Health and Genetics/Laboratory Corporation of America, LabCorp
Classification: Uncertain significance. Last evaluated: 2023-02-28. Review status: criteria provided, single submitter. Criteria: LabCorp Variant Classification Summary - May 2015. Collection method: clinical testing. Allele origin: germline.
Comment: Variant summary: ATP6V0A4 c.1418C>T (p.Ser473Phe) results in a non-conservative amino acid change in the encoded protein sequence. Five of five in-silico tools predict a damaging effect of the variant on protein function. The variant allele was found at a frequency of 9.5e-05 in 251476 control chromosomes, found exclusively within the East Asian subpopulation at a frequency of 0.0013 in the gnomAD database. The observed variant frequency within East Asian control individuals in the gnomAD database is approximately equal to the estimated maximal expected allele frequency for a pathogenic variant in ATP6V0A4 causing Renal Tubular Acidosis, Distal, Autosomal Recessive phenotype (0.0011), suggesting that the variant may be a benign polymorphism found primarily in populations of East Asian origin. c.1418C>T has been reported in the literature in the compound heterozygous state in at least four Chinese individuals affected with Distal Renal Tubular Acidosis, including one case where the variant was found in trans with a pathogenic variant (e.g. Liu_2018, Rao_2019, Guo_2021). These data do not allow any strong conclusion about variant significance. To our knowledge, no experimental evidence demonstrating an impact on protein function has been reported. No clinical diagnostic laboratories have submitted clinical-significance assessments for this variant to ClinVar after 2014. Based on the evidence outlined above, the variant was classified as VUS-possibly benign.

Juno Genomics, Hangzhou Juno Genomics, Inc
Classification: Likely pathogenic for Renal tubular acidosis, distal, 3, with or without sensorineural hearing loss. Review status: criteria provided, single submitter. Criteria: ACMG Guidelines, 2015. Collection method: clinical testing. Allele origin: germline.
Comment: Absent from controls (or at extremely low frequency if recessive) in Genome Aggregation Database.;Multiple lines of computational evidence support a deleterious effect on the gene or gene product.;For recessive disorders, detected in trans with a pathogenic variant.;Patient's phenotype or family history is highly specific for a disease with a single genetic etiology.

Literature cited by the submitters: PubMed 30230413 (cited by Labcorp Genetics (formerly Invitae), Labcorp and Women's Health and Genetics/Laboratory Corporation of America, LabCorp); PubMed 34159584 (cited by Labcorp Genetics (formerly Invitae), Labcorp and Women's Health and Genetics/Laboratory Corporation of America, LabCorp); PubMed 31328266 (cited by Women's Health and Genetics/Laboratory Corporation of America, LabCorp).